The following is an entry in ClinVar:

ClinVar aggregate classification (germline): Uncertain significance (1 of 4 stars; one submission).

Conditions:
Intellectual developmental disorder, autosomal dominant 1. Also called: MBD5 Haploinsufficiency; Intellectual disability, autosomal dominant 1. Identifiers: Orphanet 228402, MedGen C1969562, MONDO:0007974, OMIM 156200.

Submission:

Labcorp Genetics (formerly Invitae), Labcorp
Classification: Uncertain significance for Intellectual developmental disorder, autosomal dominant 1. Last evaluated: 2025-12-08. Review status: criteria provided, single submitter. Criteria: Invitae Variant Classification Sherloc (09022015). Collection method: clinical testing. Allele origin: germline.
Comment: This sequence change replaces glycine, which is neutral and non-polar, with valine, which is neutral and non-polar, at codon 1181 of the MBD5 protein (p.Gly1181Val). This variant is not present in population databases (gnomAD no frequency). This variant has not been reported in the literature in individuals affected with MBD5-related conditions. Experimental studies and prediction algorithms are not available or were not evaluated, and the functional significance of this variant is currently unknown. In summary, the available evidence is currently insufficient to determine the role of this variant in disease. Therefore, it has been classified as a Variant of Uncertain Significance.

NM_001378120.1(MBD5):c.4241G>T (p.Gly1414Val)

Gene: MBD5 (methyl-CpG binding domain protein 5; plus strand). Cytogenetic location: 2q23.1.
Variant type: single nucleotide variant.
Coding change: c.4241G>T on transcript NM_001378120.1 (MANE Select); coding-DNA position 4241, G replaced by T.
Protein change: p.Gly1414Val; replaces glycine 1414 with valine.
Molecular consequence: missense variant.
Genome position (GRCh38, 1-based): chr2:148,489,873, G>T. VCF-style: chr2-148489873-G-T. GRCh37 (hg19) VCF-style: chr2-149247442-G-T.
Other names: c.4241G>T, p.Gly1414Val (NM_001438858.1, NM_001438854.1, NM_001438856.1 and 1 more transcripts); c.3542G>T, p.Gly1181Val (NM_001438859.1, NM_001438860.1, NM_001438861.1 and 3 more transcripts); short protein forms G1414V, G1181V.
Identifiers: ClinVar variation 4732698 (VCV004732698.1).
Genomic context (GRCh38, chr2:148,489,873, plus strand): 5'-CAAGAGGGGCTCGGCTGCCCAAGAATCTAGACCATGGGAAAAATGTGAACGAAGGAGATG[G>T]GTTTGAATATTTCAAGTCAGCAAGTTGCCACACATCCAAAAAACAGTGGGACGGGGAGCA-3'
Protein context (NP_001365049.1, residues 1404-1424): DHGKNVNEGD[Gly1414Val]FEYFKSASCH